The following is an entry in ClinVar:

ClinVar aggregate classification (germline): Uncertain significance (0 of 4 stars; one submission).

Conditions:
Prostate cancer. Also called: Malignant tumor of prostate. Identifiers: Orphanet 1331, MedGen C0376358, MONDO:0008315, HP:0012125.

Submission:

Science for Life laboratory,  Karolinska Institutet
Classification: Uncertain significance for Malignant tumor of prostate. Review status: no assertion criteria provided. Collection method: not provided. Allele origin: somatic.
Comment: TumorID:SWE-16
ClinVar note: Converted during submission from Unknown to Uncertain significance.

NM_002472.3(MYH8):c.2339G>T (p.Arg780Ile)

Genes: MYH8 (myosin heavy chain 8; minus strand), MYHAS (myosin heavy chain gene cluster antisense RNA; plus strand). Cytogenetic location: 17p13.1.
Variant type: single nucleotide variant.
Coding change: c.2339G>T on transcript NM_002472.3 (MANE Select); coding-DNA position 2339, G replaced by T.
Protein change: p.Arg780Ile; replaces arginine 780 with isoleucine.
Molecular consequence: missense variant.
Genome position (GRCh38, 1-based): chr17:10,406,134, C>A on the plus strand (G>T on the coding strand, the complement: MYH8 is on the minus strand). VCF-style: chr17-10406134-C-A. GRCh37 (hg19) VCF-style: chr17-10309451-C-A.
Other names: short protein forms R780I.
Identifiers: ClinVar variation 161597 (VCV000161597.2), dbSNP rs193920854, ClinGen allele CA174419.